The following is an entry in ClinVar:

NM_014611.3(MDN1):c.12089C>G (p.Pro4030Arg)

Genes: MDN1 (midasin AAA ATPase 1; minus strand), MDN1-AS1 (MDN1 antisense RNA 1; plus strand). Cytogenetic location: 6q15.
Variant type: single nucleotide variant.
Coding change: c.12089C>G on transcript NM_014611.3 (MANE Select); coding-DNA position 12089, C replaced by G.
Protein change: p.Pro4030Arg; replaces proline 4030 with arginine.
Molecular consequence: missense variant.
Genome position (GRCh38, 1-based): chr6:89,683,145, G>C on the plus strand (C>G on the coding strand, the complement: MDN1 is on the minus strand). VCF-style: chr6-89683145-G-C. GRCh37 (hg19) VCF-style: chr6-90392864-G-C.
Other names: short protein forms P4030R.
Identifiers: ClinVar variation 3345659 (VCV003345659.1).
Genomic context (GRCh38, chr6:89,683,145, plus strand): 5'-ACTTGACTGGCTTGGGAATAAGCCAGCACTGTCCCACAACCAAGTACCTGCCCAGCTGCT[G>C]GTTGGGCTAACAGGGTCTCCCTCAGTGCCCTGTTCAGATTCTGAATGGAAGACAGTTCAC-3'
Protein context (NP_055426.1, residues 4020-4040): RALRETLLAQ[Pro4030Arg]AAGQATIPEW

ClinVar aggregate classification (germline): Uncertain significance (0 of 4 stars; one submission).

Conditions:
MDN1-related disorder. Also called: MDN1-related condition.

Submission:

PreventionGenetics, part of Exact Sciences
Classification: Uncertain significance for MDN1-related condition. Last evaluated: 2024-06-24. Review status: no assertion criteria provided. Collection method: clinical testing. Allele origin: germline.
Comment: The MDN1 c.12089C>G variant is predicted to result in the amino acid substitution p.Pro4030Arg. To our knowledge, this variant has not been reported in the literature or in a large population database, indicating this variant is rare. At this time, the clinical significance of this variant is uncertain due to the absence of conclusive functional and genetic evidence.